The following is an entry in ClinVar:

ClinVar aggregate classification (germline): Uncertain significance (1 of 4 stars; one submission).

Allele frequency attached by ClinVar (database versions not stated): gnomAD exomes below 0.00001.
gnomAD v4.1: 1 of 1,614,210 alleles (0.000062%); highest among the groups gnomAD compares: Non-Finnish European, 0.000085%; no homozygotes.

Submission:

Labcorp Genetics (formerly Invitae), Labcorp
Classification: Uncertain significance. Last evaluated: 2023-12-16. Review status: criteria provided, single submitter. Criteria: Invitae Variant Classification Sherloc (09022015). Collection method: clinical testing. Allele origin: germline.
Comment: This sequence change replaces valine, which is neutral and non-polar, with alanine, which is neutral and non-polar, at codon 1538 of the FLNB protein (p.Val1538Ala). This variant is present in population databases (no rsID available, gnomAD 0.0009%). This variant has not been reported in the literature in individuals affected with FLNB-related conditions. Advanced modeling of protein sequence and biophysical properties (such as structural, functional, and spatial information, amino acid conservation, physicochemical variation, residue mobility, and thermodynamic stability) performed at Invitae indicates that this missense variant is not expected to disrupt FLNB protein function with a negative predictive value of 95%. In summary, the available evidence is currently insufficient to determine the role of this variant in disease. Therefore, it has been classified as a Variant of Uncertain Significance.

NM_001457.4(FLNB):c.4613T>C (p.Val1538Ala)

Gene: FLNB (filamin B; plus strand). Cytogenetic location: 3p14.3.
Variant type: single nucleotide variant.
Coding change: c.4613T>C on transcript NM_001457.4 (MANE Select); coding-DNA position 4613, T replaced by C.
Protein change: p.Val1538Ala; replaces valine 1538 with alanine.
Molecular consequence: missense variant.
Genome position (GRCh38, 1-based): chr3:58,134,714, T>C. VCF-style: chr3-58134714-T-C. GRCh37 (hg19) VCF-style: chr3-58120441-T-C.
Other names: c.4706T>C, p.Val1569Ala (NM_001164317.2); c.4613T>C, p.Val1538Ala (NM_001164318.2, NM_001164319.2); short protein forms V1538A, V1569A.
Identifiers: ClinVar variation 2898891 (VCV002898891.3), dbSNP rs1342274063, ClinGen allele CA353351775.